The following is an entry in ClinVar:

ClinVar aggregate classification (germline): Uncertain significance (1 of 4 stars; one submission).

Conditions:
KDM3A-related disorder. Also called: KDM3A-related condition.

gnomAD v4.1: 8 of 1,613,966 alleles (0.0005%); highest among the groups gnomAD compares: African/African-American, 0.0013%; no homozygotes.

Submission:

PreventionGenetics, part of Exact Sciences
Classification: Uncertain significance for KDM3A-related condition. Last evaluated: 2026-09-04. Review status: criteria provided, single submitter. Criteria: ACMG Guidelines, 2015. Collection method: clinical testing. Allele origin: germline.
Comment: The KDM3A c.1582G>A variant is predicted to result in the amino acid substitution p.Glu528Lys. To our knowledge, this variant has not been reported in the literature or in a large population database (gnomAD), indicating this variant is rare. At this time, the clinical significance of this variant is uncertain due to the absence of conclusive functional and genetic evidence.

NM_018433.6(KDM3A):c.1582G>A (p.Glu528Lys)

Gene: KDM3A (lysine demethylase 3A; plus strand). Cytogenetic location: 2p11.2.
Variant type: single nucleotide variant.
Coding change: c.1582G>A on transcript NM_018433.6 (MANE Select); coding-DNA position 1582, G replaced by A.
Protein change: p.Glu528Lys; replaces glutamic acid 528 with lysine.
Molecular consequence: missense variant.
Genome position (GRCh38, 1-based): chr2:86,470,266, G>A. VCF-style: chr2-86470266-G-A. GRCh37 (hg19) VCF-style: chr2-86697389-G-A.
Other names: c.1582G>A, p.Glu528Lys (NM_001146688.2); short protein forms E528K.
Identifiers: ClinVar variation 4994806 (VCV004994806.1).